The following is an entry in ClinVar:

NM_000528.4(MAN2B1):c.2665-74G>T

Gene: MAN2B1 (mannosidase alpha class 2B member 1; minus strand). Cytogenetic location: 19p13.13.
Variant type: single nucleotide variant.
Coding change: c.2665-74G>T on transcript NM_000528.4 (MANE Select); 74 bases into the intron before coding-DNA position 2665, G replaced by T.
Molecular consequence: intron variant.
Genome position (GRCh38, 1-based): chr19:12,647,672, C>A on the plus strand (G>T on the coding strand, the complement: MAN2B1 is on the minus strand). VCF-style: chr19-12647672-C-A. GRCh37 (hg19) VCF-style: chr19-12758486-C-A.
Other names: c.2662-74G>T (NM_001173498.2).
Identifiers: ClinVar variation 1707315 (VCV001707315.2), dbSNP rs140949750, ClinGen allele CA305460514.
Genomic context (GRCh38, chr19:12,647,672, plus strand): 5'-GGCGGGGCTGAGTTGGAGAGGGGCGGGGCCTGGATGGAGAAGGGCGGGGCCGAGCCAGGT[C>A]AGGAGGCAGGGCTAGGTTGTAGGGGCGGGGTTTCGCCGGAGAGGGGCAAGGCTCAGCCGA-3'

ClinVar aggregate classification (germline): Likely benign (1 of 4 stars; one submission).

Allele frequency attached by ClinVar (database versions not stated): gnomAD exomes 0.00105; 1000 Genomes Project 0.00859; 1000 Genomes Project 30x 0.00890; gnomAD 0.00984; TOPMed 0.01125.
gnomAD v4.1: 2,806 of 1,345,264 alleles (0.21%); highest among the groups gnomAD compares: African/African-American, 3.3%; 40 homozygotes.

Submission:

GeneDx
Classification: Likely benign. Last evaluated: 2018-12-31. Review status: criteria provided, single submitter. Criteria: GeneDx Variant Classification Process June 2021. Collection method: clinical testing. Allele origin: germline. Affected: yes.
Comment: See Variant Classification Assertion Criteria.